The following is an entry in ClinVar:

NM_000350.3(ABCA4):c.2779C>T (p.Pro927Ser)

Gene: ABCA4 (ATP binding cassette subfamily A member 4; minus strand). Cytogenetic location: 1p22.1.
Variant type: single nucleotide variant.
Coding change: c.2779C>T on transcript NM_000350.3 (MANE Select); coding-DNA position 2779, C replaced by T.
Protein change: p.Pro927Ser; replaces proline 927 with serine.
Molecular consequence: missense variant.
Genome position (GRCh38, 1-based): chr1:94,047,058, G>A on the plus strand (C>T on the coding strand, the complement: ABCA4 is on the minus strand). VCF-style: chr1-94047058-G-A. GRCh37 (hg19) VCF-style: chr1-94512614-G-A.
Other names: c.2557C>T, p.Pro853Ser (NM_001425324.1); short protein forms P927S, P853S.
Identifiers: ClinVar variation 929304 (VCV000929304.5), dbSNP rs985690206, ClinGen allele CA26840906.
Genomic context (GRCh38, chr1:94,047,058, plus strand): 5'-CCACAGCTGGCCGGCCACAGGGCTCAAAAATCTTTACCAGATTCTTCACGCATACCCCAG[G>A]AACCCACCCTGGATGCTCACGTTCAAAGAAGGAGTCTTGGAGGAAAAAAAATGAACATGA-3'
Protein context (NP_000341.2, residues 917-937): FFEREHPGWV[Pro927Ser]GVCVKNLVKI

ClinVar aggregate classification (germline): Uncertain significance. Review status: criteria provided, multiple submitters, no conflicts (2 of 4 stars). 3 submissions from 3 submitters: Uncertain significance (3). Last evaluated 2025-08-31.

Conditions:
Inborn genetic diseases. Identifiers: MedGen C0950123, MeSH D030342.
Stargardt disease 3. Also called: MACULAR DYSTROPHY WITH FLECKS, TYPE 3; STARGARDT-LIKE MACULAR DYSTROPHY, AUTOSOMAL DOMINANT. Identifiers: Orphanet 827, MedGen C1838644, MONDO:0010819, OMIM 600110.

Allele frequency attached by ClinVar (database versions not stated): gnomAD exomes below 0.00001 and 0.00001; TOPMed 0.00002.
gnomAD v4.1: 3 of 1,614,136 alleles (0.00019%); highest among the groups gnomAD compares: Admixed American, 0.0033%; no homozygotes.

Submissions (3):

Ambry Genetics
Classification: Uncertain significance for Inborn genetic diseases. Last evaluated: 2025-08-31. Review status: criteria provided, single submitter. Criteria: Ambry Variant Classification Scheme 2023. Collection method: clinical testing. Allele origin: germline.

Labcorp Genetics (formerly Invitae), Labcorp
Classification: Uncertain significance. Last evaluated: 2021-12-31. Review status: criteria provided, single submitter. Criteria: Invitae Variant Classification Sherloc (09022015). Collection method: clinical testing. Allele origin: germline.
Comment: This sequence change replaces proline, which is neutral and non-polar, with serine, which is neutral and polar, at codon 927 of the ABCA4 protein (p.Pro927Ser). This variant is present in population databases (no rsID available, gnomAD 0.006%). This variant has not been reported in the literature in individuals affected with ABCA4-related conditions. ClinVar contains an entry for this variant (Variation ID: 929304). Advanced modeling of protein sequence and biophysical properties (such as structural, functional, and spatial information, amino acid conservation, physicochemical variation, residue mobility, and thermodynamic stability) performed at Invitae indicates that this missense variant is expected to disrupt ABCA4 protein function. In summary, the available evidence is currently insufficient to determine the role of this variant in disease. Therefore, it has been classified as a Variant of Uncertain Significance.

Department of Ophthalmology, California Pacific Medical Center
Classification: Uncertain significance for Stargardt disease 3. Last evaluated: 2020-06-11. Review status: criteria provided, single submitter. Criteria: ACMG Guidelines, 2015. Collection method: clinical testing. Allele origin: germline. Inheritance: Sporadic. Affected: yes. Observed: 1 heterozygote.